The following is an entry in ClinVar:

ClinVar aggregate classification (germline): Uncertain significance. Review status: criteria provided, multiple submitters, no conflicts (2 of 4 stars). 2 submissions from 2 submitters: Uncertain significance (2). Last evaluated 2024-12-23.

Conditions:
Nemaline myopathy 2 (NEM2). Also called: Nemaline myopathy 2, autosomal recessive. Identifiers: MedGen C1850569, MONDO:0009725, OMIM 256030.
Inborn genetic diseases. Identifiers: MedGen C0950123, MeSH D030342.

Submissions (2):

Ambry Genetics
Classification: Uncertain significance for Inborn genetic diseases. Last evaluated: 2024-12-23. Review status: criteria provided, single submitter. Criteria: Ambry Variant Classification Scheme 2023. Collection method: clinical testing. Allele origin: germline.

Labcorp Genetics (formerly Invitae), Labcorp
Classification: Uncertain significance for Nemaline myopathy 2. Last evaluated: 2021-09-02. Review status: criteria provided, single submitter. Criteria: Invitae Variant Classification Sherloc (09022015). Collection method: clinical testing. Allele origin: germline.
Comment: This sequence change replaces glutamic acid with lysine at codon 9 of the NEB protein (p.Glu9Lys). The glutamic acid residue is moderately conserved and there is a small physicochemical difference between glutamic acid and lysine. This variant is not present in population databases (ExAC no frequency). This variant has not been reported in the literature in individuals affected with NEB-related conditions. Algorithms developed to predict the effect of missense changes on protein structure and function are either unavailable or do not agree on the potential impact of this missense change (SIFT: "Deleterious"; PolyPhen-2: "Not Available"; Align-GVGD: "Class C0"). In summary, the available evidence is currently insufficient to determine the role of this variant in disease. Therefore, it has been classified as a Variant of Uncertain Significance.

NM_001164508.2(NEB):c.25G>A (p.Glu9Lys)

Gene: NEB (nebulin; minus strand). Cytogenetic location: 2q23.3.
Variant type: single nucleotide variant.
Coding change: c.25G>A on transcript NM_001164508.2 (MANE Select); coding-DNA position 25, G replaced by A.
Protein change: p.Glu9Lys; replaces glutamic acid 9 with lysine.
Molecular consequence: missense variant.
Genome position (GRCh38, 1-based): chr2:151,733,132, C>T on the plus strand (G>A on the coding strand, the complement: NEB is on the minus strand). VCF-style: chr2-151733132-C-T. GRCh37 (hg19) VCF-style: chr2-152589646-C-T.
Other names: c.25G>A, p.Glu9Lys (NM_001164507.2, NM_001271208.2, NM_004543.5); c.25G>A (NM_004543.4); short protein forms E9K.
Identifiers: ClinVar variation 1503304 (VCV001503304.4), dbSNP rs2151148401, ClinGen allele CA348797598.